The following is an entry in ClinVar:

ClinVar aggregate classification (germline): Likely benign (1 of 4 stars; one submission).

Submission:

CeGaT Center for Human Genetics Tuebingen
Classification: Likely benign. Last evaluated: 2026-08-01. Review status: criteria provided, single submitter. Criteria: CeGaT Center For Human Genetics Tuebingen Variant Classification Criteria Version 2. Collection method: clinical testing. Allele origin: germline. Affected: yes. Observed: 6 variant alleles.
Comment: BTBD17: PM2:Supporting, BP4, BP7

NM_001080466.2(BTBD17):c.1317C>T (p.Gly439=)

Gene: BTBD17 (BTB domain containing 17; minus strand). Cytogenetic location: 17q25.1.
Variant type: single nucleotide variant.
Coding change: c.1317C>T on transcript NM_001080466.2 (MANE Select); coding-DNA position 1317, C replaced by T.
Protein change: p.Gly439=; no amino-acid change (glycine 439 retained).
Molecular consequence: synonymous variant.
Genome position (GRCh38, 1-based): chr17:74,356,777, G>A on the plus strand (C>T on the coding strand, the complement: BTBD17 is on the minus strand). VCF-style: chr17-74356777-G-A. GRCh37 (hg19) VCF-style: chr17-72352916-G-A.
Identifiers: ClinVar variation 2648197 (VCV002648197.24), dbSNP rs1466217423, ClinGen allele CA502029685.